The following is an entry in ClinVar:

NM_006015.6(ARID1A):c.3110G>A (p.Gly1037Asp)

Gene: ARID1A (AT-rich interaction domain 1A; plus strand). Cytogenetic location: 1p36.11.
Variant type: single nucleotide variant.
Coding change: c.3110G>A on transcript NM_006015.6 (MANE Select); coding-DNA position 3110, G replaced by A.
Protein change: p.Gly1037Asp; replaces glycine 1037 with aspartic acid.
Molecular consequence: missense variant.
Genome position (GRCh38, 1-based): chr1:26,767,911, G>A. VCF-style: chr1-26767911-G-A. GRCh37 (hg19) VCF-style: chr1-27094402-G-A.
Other names: c.3110G>A, p.Gly1037Asp (NM_139135.4); short protein forms G1037D.
Identifiers: ClinVar variation 4803820 (VCV004803820.1).

ClinVar aggregate classification (germline): Uncertain significance (1 of 4 stars; one submission).

Submission:

Labcorp Genetics (formerly Invitae), Labcorp
Classification: Uncertain significance. Last evaluated: 2025-07-06. Review status: criteria provided, single submitter. Criteria: Invitae Variant Classification Sherloc (09022015). Collection method: clinical testing. Allele origin: germline.
Comment: This sequence change replaces glycine, which is neutral and non-polar, with aspartic acid, which is acidic and polar, at codon 1037 of the ARID1A protein (p.Gly1037Asp). This variant is not present in population databases (gnomAD no frequency). This variant has not been reported in the literature in individuals affected with ARID1A-related conditions. Invitae Evidence Modeling of protein sequence and biophysical properties (such as structural, functional, and spatial information, amino acid conservation, physicochemical variation, residue mobility, and thermodynamic stability) has been performed for this missense variant. However, the output from this modeling did not meet the statistical confidence thresholds required to predict the impact of this variant on ARID1A protein function. In summary, the available evidence is currently insufficient to determine the role of this variant in disease. Therefore, it has been classified as a Variant of Uncertain Significance.